The following is an entry in ClinVar:

NM_138370.3(PKDCC):c.1138G>A (p.Glu380Lys)

Gene: PKDCC (protein kinase domain containing, cytoplasmic; plus strand). Cytogenetic location: 2p21.
Variant type: single nucleotide variant.
Coding change: c.1138G>A on transcript NM_138370.3 (MANE Select); coding-DNA position 1138, G replaced by A.
Protein change: p.Glu380Lys; replaces glutamic acid 380 with lysine.
Molecular consequence: missense variant.
Genome position (GRCh38, 1-based): chr2:42,055,309, G>A. VCF-style: chr2-42055309-G-A. GRCh37 (hg19) VCF-style: chr2-42282449-G-A.
Other names: c.1138G>A (NM_138370.2); short protein forms E380K.
Identifiers: ClinVar variation 1468425 (VCV001468425.8), dbSNP rs776740396, ClinGen allele CA1628157.

ClinVar aggregate classification (germline): Uncertain significance. Review status: criteria provided, multiple submitters, no conflicts (2 of 4 stars). 2 submissions from 2 submitters: Uncertain significance (2). Last evaluated 2025-10-22.

Conditions:
Inborn genetic diseases. Identifiers: MedGen C0950123, MeSH D030342.

Allele frequency attached by ClinVar (database versions not stated): gnomAD exomes 0.00005 and 0.00013; gnomAD 0.00007 and 0.00008; ExAC 0.00008; TOPMed 0.00008.
gnomAD v4.1: 201 of 1,613,358 alleles (0.012%); highest among the groups gnomAD compares: Non-Finnish European, 0.016%; no homozygotes.

Submissions (2):

Ambry Genetics
Classification: Uncertain significance for Inborn genetic diseases. Last evaluated: 2025-10-22. Review status: criteria provided, single submitter. Criteria: Ambry Variant Classification Scheme 2023. Collection method: clinical testing. Allele origin: germline.

Labcorp Genetics (formerly Invitae), Labcorp
Classification: Uncertain significance. Last evaluated: 2023-08-17. Review status: criteria provided, single submitter. Criteria: Invitae Variant Classification Sherloc (09022015). Collection method: clinical testing. Allele origin: germline.
Comment: In summary, the available evidence is currently insufficient to determine the role of this variant in disease. Therefore, it has been classified as a Variant of Uncertain Significance. This sequence change replaces glutamic acid, which is acidic and polar, with lysine, which is basic and polar, at codon 380 of the PKDCC protein (p.Glu380Lys). This variant is present in population databases (rs776740396, gnomAD 0.01%). This variant has not been reported in the literature in individuals affected with PKDCC-related conditions. ClinVar contains an entry for this variant (Variation ID: 1468425). An algorithm developed to predict the effect of missense changes on protein structure and function (PolyPhen-2) suggests that this variant¬†is likely to be tolerated.